The following is an entry in ClinVar:

ClinVar aggregate classification (germline): Pathogenic/Likely pathogenic. Review status: criteria provided, multiple submitters, no conflicts (2 of 4 stars). 2 submissions from 2 submitters: Pathogenic (1); Likely pathogenic (1). Last evaluated 2025-08-14.

Conditions:
Developmental and epileptic encephalopathy, 23 (DEE23). Also called: Epileptic encephalopathy, early infantile, 23. Identifiers: Orphanet 411986, MedGen C4014492, MONDO:0014371, OMIM 615859.

Submissions (2):

GeneDx
Classification: Likely pathogenic. Last evaluated: 2025-08-14. Review status: criteria provided, single submitter. Criteria: GeneDx Variant Classification Process June 2021. Collection method: clinical testing. Allele origin: germline. Affected: yes.
Comment: Frameshift variant predicted to result in protein truncation or nonsense mediated decay in a gene for which loss of function is a known mechanism of disease; Not observed at significant frequency in large population cohorts (gnomAD); Has not been previously published as pathogenic or benign to our knowledge

Labcorp Genetics (formerly Invitae), Labcorp
Classification: Pathogenic for Developmental and epileptic encephalopathy, 23. Last evaluated: 2025-07-21. Review status: criteria provided, single submitter. Criteria: Invitae Variant Classification Sherloc (09022015). Collection method: clinical testing. Allele origin: germline.
Comment: This sequence change creates a premature translational stop signal (p.Glu148Glyfs*35) in the DOCK7 gene. It is expected to result in an absent or disrupted protein product. Loss-of-function variants in DOCK7 are known to be pathogenic (PMID: 24814191). This variant is not present in population databases (gnomAD no frequency). This variant has not been reported in the literature in individuals affected with DOCK7-related conditions. For these reasons, this variant has been classified as Pathogenic.

Literature cited by the submitters: PubMed 24814191 (cited by Labcorp Genetics (formerly Invitae), Labcorp).

NM_001367561.1(DOCK7):c.443_446del (p.Glu148fs)

Gene: DOCK7 (dedicator of cytokinesis 7; minus strand). Cytogenetic location: 1p31.3.
Variant type: Microsatellite.
Coding change: c.443_446del on transcript NM_001367561.1 (MANE Select); coding-DNA positions 443 to 446, 4 bases deleted (AAAG; older notation c.443_446delAAAG).
Protein change: p.Glu148fs; shifts the reading frame from glutamic acid 148.
Molecular consequence: frameshift variant.
Genome position (GRCh38, 1-based): chr1:62,648,488-62,648,491, CTTT deleted on the plus strand (AAAG on the coding strand, the reverse complement: DOCK7 is on the minus strand); deleting any 4 consecutive bases within chr1:62,648,488-62,648,497 gives the same sequence; the c. name uses the placement nearest the transcript's 3' end. VCF-style (leftmost placement, unchanged base first): chr1-62648487-CCTTT-C. GRCh37 (hg19) VCF-style: chr1-63114158-CCTTT-C.
Other names: c.443_446del (NM_001271999.1); c.443_446del, p.Glu148fs (NM_001271999.2, NM_001272000.2, NM_001272001.2 and 3 more transcripts); short protein forms E148fs.
Identifiers: ClinVar variation 1453674 (VCV001453674.7), dbSNP rs1438270423, ClinGen allele CA737694866.
Genomic context (GRCh38, chr1:62,648,487, plus strand): 5'-GTAGCTGTTGCCATCTGGAGCTTCATCAGATTCAAAAACTTGTTTTGGCAAACCTTTTTG[CCTTT>C]CTTTCTGTTTATCTAATGTATTGGGATTAAATCCTGTTCCCAATTTATGATATCTATTAA-3'